The following is an entry in ClinVar:

NM_025114.4(CEP290):c.6154_6161del (p.Asp2052fs)

Gene: CEP290 (centrosomal protein 290; minus strand). Cytogenetic location: 12q21.32.
Variant type: Deletion.
Coding change: c.6154_6161del on transcript NM_025114.4 (MANE Select); coding-DNA positions 6154 to 6161, 8 bases deleted (GATGATCA; older notation c.6154_6161delGATGATCA).
Protein change: p.Asp2052fs; shifts the reading frame from aspartic acid 2052.
Molecular consequence: frameshift variant.
Genome position (GRCh38, 1-based): chr12:88,064,090-88,064,097, TGATCATC deleted on the plus strand (GATGATCA on the coding strand, the reverse complement: CEP290 is on the minus strand); deleting any 8 consecutive bases within chr12:88,064,090-88,064,100 gives the same sequence; the c. name uses the placement nearest the transcript's 3' end. VCF-style (leftmost placement, unchanged base first): chr12-88064089-ATGATCATC-A. GRCh37 (hg19) VCF-style: chr12-88457866-ATGATCATC-A.
Other names: c.6154_6161del8 (NM_025114.3); short protein forms D2052fs.
Identifiers: ClinVar variation 1432347 (VCV001432347.7), dbSNP rs867904492, ClinGen allele CA241148054.

ClinVar aggregate classification (germline): Pathogenic. Review status: criteria provided, multiple submitters, no conflicts (2 of 4 stars). 2 submissions from 2 submitters: Pathogenic (2). Last evaluated 2026-06-05.

Conditions:
CEP290-related disorder. Also called: CEP290-related condition; CEP290-related disorders. Identifiers: MedGen CN239314.
Nephronophthisis. Also called: Juvenile Nephronophthisis. Identifiers: Orphanet 655, MedGen C0687120, MONDO:0019005, HP:0000090.
Meckel-Gruber syndrome. Also called: DYSENCEPHALIA SPLANCHNOCYSTICA; GRUBER SYNDROME; Dysencephalia splachnocystica. Identifiers: Orphanet 564, MedGen C0265215, MONDO:0018921.
Joubert syndrome. Also called: JOUBERT-BOLTSHAUSER SYNDROME; Familial aplasia of the vermis. Identifiers: Orphanet 475, MedGen C5979921, MONDO:0018772.

Submissions (2):

PreventionGenetics, part of Exact Sciences
Classification: Pathogenic for CEP290-related condition. Last evaluated: 2026-06-05. Review status: criteria provided, single submitter. Criteria: ACMG Guidelines, 2015. Collection method: clinical testing. Allele origin: germline.
Comment: The CEP290 c.6154_6161del8 variant is predicted to result in a frameshift and premature protein termination (p.Asp2052Leufs*17). This variant was reported in an individual with primary immunodeficiency (Best et al. 2022. PubMed ID: 35764379). This variant has not been reported in a large population database (gnomAD), indicating this variant is rare. Frameshift variants in CEP290 are expected to be pathogenic. This variant is interpreted as pathogenic.

Labcorp Genetics (formerly Invitae), Labcorp
Classification: Pathogenic for Joubert syndrome; Meckel-Gruber syndrome; Nephronophthisis. Last evaluated: 2025-07-22. Review status: criteria provided, single submitter. Criteria: Invitae Variant Classification Sherloc (09022015). Collection method: clinical testing. Allele origin: germline.
Comment: This sequence change creates a premature translational stop signal (p.Asp2052Leufs*17) in the CEP290 gene. It is expected to result in an absent or disrupted protein product. Loss-of-function variants in CEP290 are known to be pathogenic (PMID: 16909394, 17345604, 20690115). This variant is not present in population databases (gnomAD no frequency). This variant has not been reported in the literature in individuals affected with CEP290-related conditions. ClinVar contains an entry for this variant (Variation ID: 1432347). For these reasons, this variant has been classified as Pathogenic.

Literature cited by the submitters: PubMed 16909394 (cited by Labcorp Genetics (formerly Invitae), Labcorp); PubMed 17345604 (cited by Labcorp Genetics (formerly Invitae), Labcorp); PubMed 20690115 (cited by Labcorp Genetics (formerly Invitae), Labcorp).